The following is an entry in ClinVar:

NM_006031.6(PCNT):c.9346C>T (p.Arg3116Trp)

Gene: PCNT (pericentrin; plus strand). Cytogenetic location: 21q22.3.
Variant type: single nucleotide variant.
Coding change: c.9346C>T on transcript NM_006031.6 (MANE Select); coding-DNA position 9346, C replaced by T.
Protein change: p.Arg3116Trp; replaces arginine 3116 with tryptophan.
Molecular consequence: missense variant.
Genome position (GRCh38, 1-based): chr21:46,440,155, C>T. VCF-style: chr21-46440155-C-T. GRCh37 (hg19) VCF-style: chr21-47860068-C-T.
Other names: c.8755C>T, p.Arg2919Trp (NM_001315529.2); short protein forms R2919W, R3116W.
Identifiers: ClinVar variation 2381677 (VCV002381677.4), dbSNP rs577152082, ClinGen allele CA10081297.

ClinVar aggregate classification (germline): Uncertain significance. Review status: criteria provided, single submitter (1 of 4 stars). 2 submissions from 2 submitters: Uncertain significance (1). 1 of the submissions does not count toward it. Last evaluated 2025-05-04.

Conditions:
Inborn genetic diseases. Identifiers: MedGen C0950123, MeSH D030342.
PCNT-related disorder. Also called: PCNT-related condition.

Allele frequency attached by ClinVar (database versions not stated): TOPMed 0.00003; gnomAD 0.00005; 1000 Genomes Project 30x 0.00016; gnomAD exomes 0.00002; 1000 Genomes Project 0.00020; ExAC 0.00005.
gnomAD v4.1: 39 of 1,614,126 alleles (0.0024%); highest among the groups gnomAD compares: South Asian, 0.011%; no homozygotes.

Submissions (2):

Ambry Genetics
Classification: Uncertain significance for Inborn genetic diseases. Last evaluated: 2025-05-04. Review status: criteria provided, single submitter. Criteria: Ambry Variant Classification Scheme 2023. Collection method: clinical testing. Allele origin: germline.

PreventionGenetics, part of Exact Sciences
Classification: Uncertain significance for PCNT-related condition. Last evaluated: 2024-05-31. Review status: no assertion criteria provided. Collection method: clinical testing. Allele origin: germline. Not counted in ClinVar's aggregate classification.
Comment: The PCNT c.9346C>T variant is predicted to result in the amino acid substitution p.Arg3116Trp. To our knowledge, this variant has not been reported in the literature. This variant is reported in 0.020% of alleles in individuals of South Asian descent in gnomAD. At this time, the clinical significance of this variant is uncertain due to the absence of conclusive functional and genetic evidence.